The following is an entry in ClinVar:

NM_001372076.1(PAX9):c.295G>T (p.Ala99Ser)

Gene: PAX9 (paired box 9; plus strand). Cytogenetic location: 14q13.3.
Variant type: single nucleotide variant.
Coding change: c.295G>T on transcript NM_001372076.1 (MANE Select); coding-DNA position 295, G replaced by T.
Protein change: p.Ala99Ser; replaces alanine 99 with serine.
Molecular consequence: missense variant.
Genome position (GRCh38, 1-based): chr14:36,663,187, G>T. VCF-style: chr14-36663187-G-T. GRCh37 (hg19) VCF-style: chr14-37132392-G-T.
Other names: c.295G>T, p.Ala99Ser (NM_006194.4); short protein forms A99S.
Identifiers: ClinVar variation 2577677 (VCV002577677.1), dbSNP rs759490130, ClinGen allele CA7158935.

ClinVar aggregate classification (germline): Uncertain significance (1 of 4 stars; one submission).

Allele frequency attached by ClinVar (database versions not stated): gnomAD exomes below 0.00001; TOPMed below 0.00001; ExAC 0.00002.
gnomAD v4.1: 6 of 1,614,086 alleles (0.00037%); highest among the groups gnomAD compares: Admixed American, 0.0033%; no homozygotes.

Submission:

GeneDx
Classification: Uncertain significance. Last evaluated: 2023-02-22. Review status: criteria provided, single submitter. Criteria: GeneDx Variant Classification Process June 2021. Collection method: clinical testing. Allele origin: germline. Affected: yes.
Comment: In silico analysis supports that this missense variant has a deleterious effect on protein structure/function; Has not been previously published as pathogenic or benign to our knowledge